The following is an entry in ClinVar:

NM_139076.3(ABRAXAS1):c.503T>C (p.Val168Ala)

Gene: ABRAXAS1 (abraxas 1, BRCA1 A complex subunit; minus strand). Cytogenetic location: 4q21.23.
Variant type: single nucleotide variant.
Coding change: c.503T>C on transcript NM_139076.3 (MANE Select); coding-DNA position 503, T replaced by C.
Protein change: p.Val168Ala; replaces valine 168 with alanine.
Molecular consequence: missense variant.
Genome position (GRCh38, 1-based): chr4:83,469,125, A>G on the plus strand (T>C on the coding strand, the complement: ABRAXAS1 is on the minus strand). VCF-style: chr4-83469125-A-G. GRCh37 (hg19) VCF-style: chr4-84390278-A-G.
Other names: c.176T>C, p.Val59Ala (NM_001345962.2); short protein forms V168A, V59A.
Identifiers: ClinVar variation 4183474 (VCV004183474.1).
Genomic context (GRCh38, chr4:83,469,125, plus strand): 5'-GACATACAGGAACCTGATACAGTTTTATAACCCAGTTGTTCAGACATGCCCAGATTGGCA[A>G]CCACTAAAGGTACCCTGTGAAAAAGTCTGACAAAATAAAACTTTAGAGTATAAACTTAGA-3'
Protein context (NP_620775.2, residues 158-178): KGLFHRVPLV[Val168Ala]ANLGMSEQLG

ClinVar aggregate classification (germline): Uncertain significance (1 of 4 stars; one submission).

gnomAD v4.1: 1 of 1,613,986 alleles (0.000062%); highest among the groups gnomAD compares: Non-Finnish European, 0.000085%; no homozygotes.

Submission:

Ambry Genetics
Classification: Uncertain significance. Last evaluated: 2025-08-23. Review status: criteria provided, single submitter. Criteria: Ambry Variant Classification Scheme 2023. Collection method: clinical testing. Allele origin: germline.
Comment: The p.V168A variant (also known as c.503T>C), located in coding exon 6 of the FAM175A gene, results from a T to C substitution at nucleotide position 503. The valine at codon 168 is replaced by alanine, an amino acid with similar properties. This amino acid position is conserved. In addition, the in silico prediction for this alteration is inconclusive. Based on the available evidence, the clinical significance of this variant remains unclear.